The following is an entry in ClinVar:

ClinVar aggregate classification (germline): not provided (0 of 4 stars; one submission).

Allele frequency attached by ClinVar (database versions not stated): gnomAD exomes 0.00004; gnomAD 0.00013; TOPMed 0.00022; 1000 Genomes Project 30x 0.00031.

Submission:

Human Evolutionary Genetics, Institut Pasteur
No classification provided. Review status: no classification provided. Collection method: not provided. Allele origin: germline.
ClinVar note: Converted during submission from untested to not provided.

NM_001282144.2(NLRX1):c.2354+248A>G

Gene: NLRX1 (NLR family member X1; plus strand). Cytogenetic location: 11q23.3.
Variant type: single nucleotide variant.
Coding change: c.2354+248A>G on transcript NM_001282144.2 (MANE Select); 248 bases into the intron after coding-DNA position 2354, A replaced by G.
Molecular consequence: intron variant.
Genome position (GRCh38, 1-based): chr11:119,181,505, A>G. VCF-style: chr11-119181505-A-G. GRCh37 (hg19) VCF-style: chr11-119052214-A-G.
Other names: c.2354+248A>G (NM_001282358.2, NM_024618.4, NM_001282143.2).
Identifiers: ClinVar variation 103141 (VCV000103141.2), dbSNP rs199476050, ClinGen allele CA230177.
Genomic context (GRCh38, chr11:119,181,505, plus strand): 5'-CTGTAATGGGTGCTAAGAAACCTCTCACGTGGCTAAAATCAGCCTGGGGGAGGTGGGGAG[A>G]GAGGGTGGAATAATACCTAGGCCGGTTGCCTGGTAACAGTGCCACTGATCCCCTCCCAGG-3'